The following is an entry in ClinVar:

ClinVar aggregate classification (germline): Pathogenic. Review status: criteria provided, multiple submitters, no conflicts (2 of 4 stars). 2 submissions from 2 submitters: Pathogenic (2). Last evaluated 2019-04-03.

Conditions:
ABCA4-related disorder. Also called: ABCA4-related disorders; ABCA4-related condition. Identifiers: MedGen CN239167.

gnomAD v4.1: 1 of 1,614,002 alleles (0.000062%); highest among the groups gnomAD compares: Non-Finnish European, 0.000085%; no homozygotes.

Submissions (2):

Blueprint Genetics
Classification: Pathogenic for ABCA4-related disorders. Last evaluated: 2019-04-03. Review status: criteria provided, single submitter. Criteria: ACMG Guidelines, 2015. Collection method: clinical testing. Allele origin: germline. Affected: yes. Observed: 1 variant allele.

GeneDx
Classification: Pathogenic. Last evaluated: 2017-10-05. Review status: criteria provided, single submitter. Criteria: GeneDx Variant Classification (06012015). Collection method: clinical testing. Allele origin: germline. Affected: yes.
Comment: The E160X pathogenic variant has been published in association with Stargardt disease (Lee et al., 2014). The E160X pathogenic variant in the ABCA4 gene was not observed in approximately 6,500 individuals of European and African American ancestry in the NHLBI Exome Sequencing Project, indicating it is not a common benign variant in these populations. The E160X nonsense variant is predicted to cause loss of normal protein function either through protein truncation or nonsense-mediated mRNA decay.

NM_000350.3(ABCA4):c.478G>T (p.Glu160Ter)

Gene: ABCA4 (ATP binding cassette subfamily A member 4; minus strand). Cytogenetic location: 1p22.1.
Variant type: single nucleotide variant.
Coding change: c.478G>T on transcript NM_000350.3 (MANE Select); coding-DNA position 478, G replaced by T.
Protein change: p.Glu160Ter; replaces glutamic acid 160 with a stop codon.
Molecular consequence: nonsense.
Genome position (GRCh38, 1-based): chr1:94,103,107, C>A on the plus strand (G>T on the coding strand, the complement: ABCA4 is on the minus strand). VCF-style: chr1-94103107-C-A. GRCh37 (hg19) VCF-style: chr1-94568663-C-A.
Other names: c.478G>T, p.Glu160Ter (NM_001425324.1); short protein forms E160*.
Identifiers: ClinVar variation 417979 (VCV000417979.3), dbSNP rs1064793005, ClinGen allele CA16617212.